The following is an entry in ClinVar:

NM_004082.5(DCTN1):c.2147A>C (p.Asn716Thr)

Gene: DCTN1 (dynactin subunit 1; minus strand). Cytogenetic location: 2p13.1.
Variant type: single nucleotide variant.
Coding change: c.2147A>C on transcript NM_004082.5 (MANE Select); coding-DNA position 2147, A replaced by C.
Protein change: p.Asn716Thr; replaces asparagine 716 with threonine.
Molecular consequence: missense variant. On other transcripts: non-coding transcript variant (1).
Genome position (GRCh38, 1-based): chr2:74,367,733, T>G on the plus strand (A>C on the coding strand, the complement: DCTN1 is on the minus strand). VCF-style: chr2-74367733-T-G. GRCh37 (hg19) VCF-style: chr2-74594860-T-G.
Other names: p.Asn716Thr; c.2087A>C, p.Asn696Thr (NM_001135040.3); c.1745A>C, p.Asn582Thr (NM_001135041.3, NM_023019.4); c.2036A>C, p.Asn679Thr (NM_001190836.2); c.2126A>C, p.Asn709Thr (NM_001190837.2); c.2096A>C, p.Asn699Thr (NM_001378991.1); c.2078A>C, p.Asn693Thr (NM_001378992.1); short protein forms N582T, N716T, N693T, N709T, N679T, N699T, N696T.
Identifiers: ClinVar variation 2932552 (VCV002932552.4), dbSNP rs767075039, ClinGen allele CA347350688.
Genomic context (GRCh38, chr2:74,367,733, plus strand): 5'-AAGCCCAAATTCTTGCCCCACACCTGATAGTACTTGATGGCCTTGGTGAGAGGCTCCACA[T>G]TGACAGTCTCATCCAGCTGATCCTTGTGCAGCAGTTCAATGAGGAAATCCAAGGAGCGCT-3'
Protein context (NP_004073.2, residues 706-726): LHKDQLDETV[Asn716Thr]VEPLTKAIKY

ClinVar aggregate classification (germline): Uncertain significance. Review status: criteria provided, multiple submitters, no conflicts (2 of 4 stars). 2 submissions from 2 submitters: Uncertain significance (2). Last evaluated 2024-11-19.

Conditions:
Amyotrophic lateral sclerosis type 1 (ALS1). Also called: AMYOTROPHIC LATERAL SCLEROSIS 1, FAMILIAL. Identifiers: Orphanet 803, MedGen C1862939, MONDO:0007103, OMIM 105400.
Neuronopathy, distal hereditary motor, type 7B. Also called: HMN VIIB; LOWER MOTOR NEURON DISEASE, DYNACTIN TYPE; NEURONOPATHY, DISTAL HEREDITARY MOTOR, AUTOSOMAL DOMINANT 14; NEURONOPATHY, DISTAL HEREDITARY MOTOR, HARDING TYPE VIIB; NEUROPATHY, DISTAL HEREDITARY MOTOR, HARDING TYPE VIIB; NEUROPATHY, DISTAL HEREDITARY MOTOR, WITH VOCAL CORD PARALYSIS, HARDING TYPE VIIB. Identifiers: Orphanet 139589, MedGen C1843315, MONDO:0011879, OMIM 607641.
Perry syndrome. Also called: PARKINSONISM WITH ALVEOLAR HYPOVENTILATION AND MENTAL DEPRESSION. Identifiers: Orphanet 178509, MedGen C1868594, MONDO:0008201, OMIM 168605.

gnomAD v4.1: 10 of 1,614,188 alleles (0.00062%); highest among the groups gnomAD compares: Non-Finnish European, 0.00076%; no homozygotes.

Submissions (2):

Mayo Clinic Laboratories, Mayo Clinic
Classification: Uncertain significance. Last evaluated: 2024-11-19. Review status: criteria provided, single submitter. Criteria: ACMG Guidelines, 2015. Collection method: clinical testing. Allele origin: germline. Observed: 1 variant allele.

Labcorp Genetics (formerly Invitae), Labcorp
Classification: Uncertain significance for Amyotrophic lateral sclerosis type 1; Neuronopathy, distal hereditary motor, type 7B; Perry syndrome. Last evaluated: 2023-09-21. Review status: criteria provided, single submitter. Criteria: Invitae Variant Classification Sherloc (09022015). Collection method: clinical testing. Allele origin: germline.
Comment: This variant is present in population databases (no rsID available, gnomAD 0.0009%). This sequence change replaces asparagine, which is neutral and polar, with threonine, which is neutral and polar, at codon 716 of the DCTN1 protein (p.Asn716Thr). In summary, the available evidence is currently insufficient to determine the role of this variant in disease. Therefore, it has been classified as a Variant of Uncertain Significance. Advanced modeling of protein sequence and biophysical properties (such as structural, functional, and spatial information, amino acid conservation, physicochemical variation, residue mobility, and thermodynamic stability) performed at Invitae indicates that this missense variant is not expected to disrupt DCTN1 protein function. This variant has not been reported in the literature in individuals affected with DCTN1-related conditions.